The following is an entry in ClinVar:

ClinVar aggregate classification (germline): Conflicting classifications of pathogenicity. Review status: criteria provided, conflicting classifications (1 of 4 stars). 6 submissions from 6 submitters: Uncertain significance (5); Likely benign (1). Last evaluated 2025-12-29.

Conditions:
Anemia, congenital dyserythropoietic, type 1a (CDAN1A). Also called: CDAN1-Related Congenital Dyserythropoietic Anemia; DYSERYTHROPOIETIC ANEMIA, CONGENITAL, TYPE Ia. Identifiers: MedGen C5574667, MONDO:0009135, OMIM 224120.
Congenital dyserythropoietic anemia, type I. Also called: Dyserythropoietic anemia, congenital type 1. Identifiers: Orphanet 98869, MedGen C0271933, MONDO:0020337. Disease mechanism: loss of function.

Allele frequency attached by ClinVar (database versions not stated): 1000 Genomes Project 0.00020; gnomAD exomes 0.00025 and 0.00037; gnomAD 0.00030; 1000 Genomes Project 30x 0.00031; TOPMed 0.00032; ExAC 0.00041.
gnomAD v4.1: 407 of 1,587,710 alleles (0.026%); highest among the groups gnomAD compares: Middle Eastern, 0.087%; 2 homozygotes.

Submissions (8):

Labcorp Genetics (formerly Invitae), Labcorp
Classification: Likely benign. Last evaluated: 2025-12-29. Review status: criteria provided, single submitter. Criteria: Invitae Variant Classification Sherloc (09022015). Collection method: clinical testing. Allele origin: germline.

Blueprint Genetics
Classification: Uncertain significance. Last evaluated: 2024-11-11. Review status: criteria provided, single submitter. Criteria: ACMG Guidelines, 2015. Collection method: clinical testing. Allele origin: germline.

Mayo Clinic Laboratories, Mayo Clinic
Classification: Uncertain significance. Last evaluated: 2024-06-14. Review status: criteria provided, single submitter. Criteria: ACMG Guidelines, 2015. Collection method: clinical testing. Allele origin: germline. Observed: 1 variant allele.
Comment: BP7

GeneDx
Classification: Uncertain significance. Last evaluated: 2022-11-11. Review status: criteria provided, single submitter. Criteria: GeneDx Variant Classification Process June 2021. Collection method: clinical testing. Allele origin: germline. Affected: yes.
Comment: In silico analysis supports that this variant does not alter splicing; Has not been previously published as pathogenic or benign to our knowledge

ARUP Laboratories, Molecular Genetics and Genomics, ARUP Laboratories
Classification: Uncertain significance for Anemia, congenital dyserythropoietic, type 1a. Last evaluated: 2022-09-15. Review status: criteria provided, single submitter. Criteria: ARUP Molecular Germline Variant Investigation Process 2021. Collection method: clinical testing. Allele origin: germline.

Illumina Laboratory Services, Illumina
Classification: Uncertain significance for Anemia, congenital dyserythropoietic, type 1a. Last evaluated: 2018-01-12. Review status: criteria provided, single submitter. Criteria: ICSL Variant Classification Criteria 13 December 2019. Collection method: clinical testing. Allele origin: germline.

Dr. Peter K. Rogan Lab, Western University
No classification provided (evidence only). Condition: Familial cancer of breast. Review status: no classification provided. Collection method: in vitro. Allele origin: not applicable. Functional consequence: retained intron. Not counted in ClinVar's aggregate classification.

Dr. Peter K. Rogan Lab, Western University
No classification provided (evidence only). Condition: Colorectal cancer. Review status: no classification provided. Collection method: in vitro. Allele origin: not applicable. Functional consequence: retained intron. Not counted in ClinVar's aggregate classification.

NM_138477.4(CDAN1):c.3204+5G>A

Gene: CDAN1 (codanin 1; minus strand). Cytogenetic location: 15q15.2.
Variant type: single nucleotide variant.
Coding change: c.3204+5G>A on transcript NM_138477.4 (MANE Select); 5 bases into the intron after coding-DNA position 3204, G replaced by A.
Molecular consequence: intron variant.
Genome position (GRCh38, 1-based): chr15:42,726,305, C>T on the plus strand (G>A on the coding strand, the complement: CDAN1 is on the minus strand). VCF-style: chr15-42726305-C-T. GRCh37 (hg19) VCF-style: chr15-43018503-C-T.
Other names: p.?; c.3204+5G>A (LRG_1164t1).
Identifiers: ClinVar variation 315921 (VCV000315921.21), dbSNP rs201125492, ClinGen allele CA7515249.